The following is an entry in ClinVar:

ClinVar aggregate classification (germline): Conflicting classifications of pathogenicity. Review status: criteria provided, conflicting classifications (1 of 4 stars). 2 submissions from 2 submitters: Uncertain significance (1); Likely benign (1). Last evaluated 2023-07-27.

Conditions:
RTEL1-related disorder. Also called: RTEL1-related disorders; RTEL1-related condition.
Pulmonary fibrosis and/or bone marrow failure, Telomere-related, 3. Also called: PULMONARY FIBROSIS AND/OR BONE MARROW FAILURE SYNDROME, TELOMERE-RELATED, 3. Identifiers: Orphanet 2032, MedGen C4225346, MONDO:0014613, OMIM 616373.
Dyskeratosis congenita, autosomal recessive 5 (DKCB5). Identifiers: MedGen C3554656, MONDO:0014076, OMIM 615190.

Allele frequency attached by ClinVar (database versions not stated): gnomAD exomes 0.00001.
gnomAD v4.1: 1 of 1,613,754 alleles (0.000062%); highest among the groups gnomAD compares: South Asian, 0.0011%; no homozygotes.

Submissions (2):

PreventionGenetics, part of Exact Sciences
Classification: Uncertain significance for RTEL1-related condition. Last evaluated: 2023-07-27. Review status: criteria provided, single submitter. Criteria: ACMG Guidelines, 2015. Collection method: clinical testing. Allele origin: germline.
Comment: The RTEL1 c.463A>C variant is predicted to result in the amino acid substitution p.Thr155Pro. To our knowledge, this variant has not been reported in the literature. This variant is reported in 0.0099% of alleles in individuals of Ashkenazi Jewish descent in gnomAD. At this time, the clinical significance of this variant is uncertain due to the absence of conclusive functional and genetic evidence.

Labcorp Genetics (formerly Invitae), Labcorp
Classification: Likely benign for Dyskeratosis congenita, autosomal recessive 5; Pulmonary fibrosis and/or bone marrow failure, Telomere-related, 3. Last evaluated: 2021-04-21. Review status: criteria provided, single submitter. Criteria: Invitae Variant Classification Sherloc (09022015). Collection method: clinical testing. Allele origin: germline.

NM_001283009.2(RTEL1):c.396-5A>C

Genes: RTEL1 (regulator of telomere elongation helicase 1; plus strand), RTEL1-TNFRSF6B (RTEL1-TNFRSF6B readthrough (NMD candidate); plus strand). Cytogenetic location: 20q13.33.
Variant type: single nucleotide variant.
Coding change: c.396-5A>C on transcript NM_001283009.2 (MANE Select); 5 bases into the intron before coding-DNA position 396, A replaced by C.
Molecular consequence: intron variant. On other transcripts: missense variant (1).
Genome position (GRCh38, 1-based): chr20:63,662,541, A>C. VCF-style: chr20-63662541-A-C. GRCh37 (hg19) VCF-style: chr20-62293894-A-C.
Other names: c.463A>C (NM_032957.4); c.463A>C, p.Thr155Pro (NM_032957.5); c.-274-5A>C (NM_001283010.1); c.396-5A>C (NM_016434.4); short protein forms T155P.
Identifiers: ClinVar variation 1538149 (VCV001538149.9), dbSNP rs761890952, ClinGen allele CA317489365.